The following is an entry in ClinVar:

NM_000047.3(ARSL):c.356C>A (p.Ser119Tyr)

Gene: ARSL (arylsulfatase L; minus strand). Cytogenetic location: Xp22.33.
Variant type: single nucleotide variant.
Coding change: c.356C>A on transcript NM_000047.3 (MANE Select); coding-DNA position 356, C replaced by A.
Protein change: p.Ser119Tyr; replaces serine 119 with tyrosine.
Molecular consequence: missense variant.
Genome position (GRCh38, 1-based): chrX:2,953,217, G>T on the plus strand (C>A on the coding strand, the complement: ARSL is on the minus strand). VCF-style: chrX-2953217-G-T. GRCh37 (hg19) VCF-style: chrX-2871258-G-T.
Other names: c.431C>A, p.Ser144Tyr (NM_001282628.2, NM_001369080.1); c.194C>A, p.Ser65Tyr (NM_001282631.2); c.383C>A, p.Ser128Tyr (NM_001369079.1); short protein forms S119Y, S128Y, S144Y, S65Y.
Identifiers: ClinVar variation 1683201 (VCV001683201.8), dbSNP rs2147389372, ClinGen allele CA412267569.

ClinVar aggregate classification (germline): Uncertain significance (1 of 4 stars; one submission).

Conditions:
Chondrodysplasia punctata, brachytelephalangic, autosomal. Also called: BRACHYTELEPHALANGIC CHONDRODYSPLASIA PUNCTATA. Identifiers: MedGen C1844853, MONDO:0011238, OMIM 602497.

Submission:

Labcorp Genetics (formerly Invitae), Labcorp
Classification: Uncertain significance for Chondrodysplasia punctata, brachytelephalangic, autosomal. Last evaluated: 2022-01-06. Review status: criteria provided, single submitter. Criteria: Invitae Variant Classification Sherloc (09022015). Collection method: clinical testing. Allele origin: germline.
Comment: In summary, the available evidence is currently insufficient to determine the role of this variant in disease. Therefore, it has been classified as a Variant of Uncertain Significance. Algorithms developed to predict the effect of missense changes on protein structure and function are either unavailable or do not agree on the potential impact of this missense change (SIFT: "Deleterious"; PolyPhen-2: "Probably Damaging"; Align-GVGD: "Class C15"). This variant has not been reported in the literature in individuals affected with ARSE-related conditions. This variant is not present in population databases (gnomAD no frequency). This sequence change replaces serine, which is neutral and polar, with tyrosine, which is neutral and polar, at codon 119 of the ARSE protein (p.Ser119Tyr).